The following is an entry in ClinVar:

ClinVar aggregate classification (germline): Uncertain significance. Review status: criteria provided, multiple submitters, no conflicts (2 of 4 stars). 2 submissions from 2 submitters: Uncertain significance (2). Last evaluated 2024-05-15.

Conditions:
Cone-rod dystrophy 6 (CORD6). Also called: RETINAL CONE DYSTROPHY 2; Cone dystrophy progressive. Identifiers: Orphanet 1872, MedGen C1866293, MONDO:0011143, OMIM 601777.
Leber congenital amaurosis 1 (LCA1). Also called: Congenital absence of the rods and cones; Leber's congenital tapetoretinal degeneration; Leber's congenital tapetoretinal dysplasia; RETINAL BLINDNESS, CONGENITAL; AMAUROSIS CONGENITA OF LEBER I. Identifiers: Orphanet 65, MedGen C2931258, MONDO:0008764, OMIM 204000.

Allele frequency attached by ClinVar (database versions not stated): ExAC 0.00002.
gnomAD v4.1: 28 of 1,606,826 alleles (0.0017%); highest among the groups gnomAD compares: Middle Eastern, 0.016%; no homozygotes.

Submissions (2):

Women's Health and Genetics/Laboratory Corporation of America, LabCorp
Classification: Uncertain significance. Last evaluated: 2024-05-15. Review status: criteria provided, single submitter. Criteria: LabCorp Variant Classification Summary - May 2015. Collection method: clinical testing. Allele origin: germline.

Labcorp Genetics (formerly Invitae), Labcorp
Classification: Uncertain significance for Leber congenital amaurosis 1; Cone-rod dystrophy 6. Last evaluated: 2022-03-29. Review status: criteria provided, single submitter. Criteria: Invitae Variant Classification Sherloc (09022015). Collection method: clinical testing. Allele origin: germline.
Comment: This sequence change replaces threonine, which is neutral and polar, with alanine, which is neutral and non-polar, at codon 312 of the GUCY2D protein (p.Thr312Ala). This variant is present in population databases (rs762211580, gnomAD 0.01%). This variant has not been reported in the literature in individuals affected with GUCY2D-related conditions. Algorithms developed to predict the effect of missense changes on protein structure and function (SIFT, PolyPhen-2, Align-GVGD) all suggest that this variant is likely to be disruptive. This variant disrupts the p.Thr312 amino acid residue in GUCY2D. Other variant(s) that disrupt this residue have been observed in individuals with GUCY2D-related conditions (PMID: 26047050), which suggests that this may be a clinically significant amino acid residue. In summary, the available evidence is currently insufficient to determine the role of this variant in disease. Therefore, it has been classified as a Variant of Uncertain Significance.

Literature cited by the submitters: PubMed 26047050 (cited by Labcorp Genetics (formerly Invitae), Labcorp).

NM_000180.4(GUCY2D):c.934A>G (p.Thr312Ala)

Gene: GUCY2D (guanylate cyclase 2D, retinal; plus strand). Cytogenetic location: 17p13.1.
Variant type: single nucleotide variant.
Coding change: c.934A>G on transcript NM_000180.4 (MANE Select); coding-DNA position 934, A replaced by G.
Protein change: p.Thr312Ala; replaces threonine 312 with alanine.
Molecular consequence: missense variant.
Genome position (GRCh38, 1-based): chr17:8,004,064, A>G. VCF-style: chr17-8004064-A-G. GRCh37 (hg19) VCF-style: chr17-7907382-A-G.
Other names: short protein forms T312A.
Identifiers: ClinVar variation 2199755 (VCV002199755.2), dbSNP rs762211580, ClinGen allele CA8365602.